The following is an entry in ClinVar:

NC_000006.11:g.(?_42932073)_(42952462_?)dup

Genes: PEX6 (peroxisomal biogenesis factor 6; minus strand), PPP2R5D (protein phosphatase 2 regulatory subunit B'delta; plus strand). Cytogenetic location: 6p21.1.
Variant type: Duplication.
Identifiers: ClinVar variation 3246196 (VCV003246196.1).

ClinVar aggregate classification (germline): Uncertain significance (1 of 4 stars; one submission).

Submission:

Labcorp Genetics (formerly Invitae), Labcorp
Classification: Uncertain significance. Last evaluated: 2023-11-20. Review status: criteria provided, single submitter. Criteria: Invitae Variant Classification Sherloc (09022015). Collection method: clinical testing. Allele origin: unknown.
Comment: This variant results in a copy number gain of the genomic region encompassing exon(s) 1 of the PPP2R5D gene. This region includes the initiator codon of the gene. This copy number gain extends beyond the assayed region for this gene and therefore may encompass additional genes. As the precise location of this event is unknown, it may be in tandem or it may be located elsewhere in the genome. This variant has not been reported in the literature in individuals affected with PPP2R5D-related conditions. In summary, the available evidence is currently insufficient to determine the role of this variant in disease. Therefore, it has been classified as a Variant of Uncertain Significance.